The following is an entry in ClinVar:

ClinVar aggregate classification (germline): Conflicting classifications of pathogenicity. Review status: criteria provided, conflicting classifications (1 of 4 stars). 4 submissions from 4 submitters: Pathogenic (2); Likely pathogenic (1); Uncertain significance (1). Last evaluated 2025-10-18.

Conditions:
MYL2-related disorder. Also called: MYL2-related condition; MYL2-related disease; MYL2-related disorders.
Hypertrophic cardiomyopathy 10. Also called: CARDIOMYOPATHY, HYPERTROPHIC, MID-LEFT VENTRICULAR CHAMBER TYPE, 2; MYL2-Related Familial Hypertrophic Cardiomyopathy. Identifiers: MedGen C1834460, MONDO:0012112, OMIM 608758.

Submissions (4):

Labcorp Genetics (formerly Invitae), Labcorp
Classification: Uncertain significance for Hypertrophic cardiomyopathy 10. Last evaluated: 2025-10-18. Review status: criteria provided, single submitter. Criteria: Invitae Variant Classification Sherloc (09022015). Collection method: clinical testing. Allele origin: germline.
Comment: This sequence change affects a donor splice site in intron 1 of the MYL2 gene. It is expected to disrupt RNA splicing. Variants that disrupt the donor or acceptor splice site typically lead to a loss of protein function (PMID: 16199547), however the current clinical and genetic evidence is not sufficient to establish whether loss-of-function variants in MYL2 cause disease. This variant is not present in population databases (gnomAD no frequency). This variant has not been reported in the literature in individuals affected with MYL2-related conditions. ClinVar contains an entry for this variant (Variation ID: 802893). In summary, the available evidence is currently insufficient to determine the role of this variant in disease. Therefore, it has been classified as a Variant of Uncertain Significance.

Genomic Medicine Center of Excellence, King Faisal Specialist Hospital and Research Centre
Classification: Pathogenic for Hypertrophic cardiomyopathy 10. Last evaluated: 2024-03-25. Review status: criteria provided, single submitter. Criteria: ACMG Guidelines, 2015. Collection method: clinical testing. Allele origin: germline.

Laboratorio de Genetica e Diagnostico Molecular, Hospital Israelita Albert Einstein
Classification: Likely pathogenic for MYL2-related disease. Last evaluated: 2020-12-20. Review status: criteria provided, single submitter. Criteria: ACMG Guidelines, 2015. Collection method: clinical testing. Allele origin: germline.
Comment: ACMG classification criteria: PVS1, PM2

Mendelics
Classification: Pathogenic for Hypertrophic cardiomyopathy 10. Last evaluated: 2019-05-28. Review status: criteria provided, single submitter. Criteria: Mendelics Assertion Criteria 2017. Collection method: clinical testing. Allele origin: unknown.

Literature cited by the submitters: PubMed 16199547 (cited by Labcorp Genetics (formerly Invitae), Labcorp).

NM_000432.4(MYL2):c.3+2T>C

Genes: MYL2 (myosin light chain 2; minus strand), LOC114827850 (VISTA enhancer hs2149; plus strand). Cytogenetic location: 12q24.11.
Variant type: single nucleotide variant.
Coding change: c.3+2T>C on transcript NM_000432.4 (MANE Select); the canonical splice donor site of the intron after coding-DNA position 3, T replaced by C.
Molecular consequence: splice donor variant. On other transcripts: intron variant (1).
Genome position (GRCh38, 1-based): chr12:110,920,525, A>G on the plus strand (T>C on the coding strand, the complement: MYL2 is on the minus strand). VCF-style: chr12-110920525-A-G. GRCh37 (hg19) VCF-style: chr12-111358329-A-G.
Other names: c.3+2T>C (NM_000432.3, NM_001406745.1); c.-55+864T>C (NM_001406916.1).
Identifiers: ClinVar variation 802893 (VCV000802893.10), dbSNP rs111373423, ClinGen allele CA243566820.